The following is an entry in ClinVar:

NC_000016.9:g.(?_89818536)_(89818822_?)dup

Gene: FANCA (FA complementation group A; minus strand). Cytogenetic location: 16q24.3.
Variant type: Duplication.
Identifiers: ClinVar variation 2422420 (VCV002422420.4).

ClinVar aggregate classification (germline): Likely pathogenic (1 of 4 stars; one submission).

Conditions:
Fanconi anemia (FA). Also called: Fanconi's anemia. Identifiers: Orphanet 84, MedGen C0015625, MeSH D005199, MONDO:0019391.

Submission:

Labcorp Genetics (formerly Invitae), Labcorp
Classification: Likely pathogenic for Fanconi anemia. Last evaluated: 2023-04-22. Review status: criteria provided, single submitter. Criteria: Invitae Variant Classification Sherloc (09022015). Collection method: clinical testing. Allele origin: germline.
Comment: In summary, the currently available evidence indicates that the variant is pathogenic, but additional data are needed to prove that conclusively. Therefore, this variant has been classified as Likely Pathogenic. This variant has not been reported in the literature in individuals affected with FANCA-related conditions. This variant results in a copy number gain of the genomic region encompassing exon(s) 31 of the FANCA gene. While the exact position of this variant cannot be determined from the data, sub-genic copy number gains are generally in tandem (PMID: 25640679). This variant is predicted to be out-of-frame, and may result in an absent or disrupted protein product. Loss-of-function variants in FANCA are known to be pathogenic (PMID: 19367192).

Literature cited by the submitters: PubMed 25640679; PubMed 19367192.